The following is an entry in ClinVar:

ClinVar aggregate classification (germline): Pathogenic (1 of 4 stars; one submission).

Conditions:
Familial hemophagocytic lymphohistiocytosis 2 (FHL2). Also called: PRF1-Related Familial Hemophagocytic Lymphohistiocytosis (PRF1-fHLH). Identifiers: Orphanet 540, MedGen C1863727, MONDO:0011337, OMIM 603553.

Allele frequency attached by ClinVar (database versions not stated): gnomAD exomes below 0.00001.

Submission:

Labcorp Genetics (formerly Invitae), Labcorp
Classification: Pathogenic for Familial hemophagocytic lymphohistiocytosis 2. Last evaluated: 2025-11-23. Review status: criteria provided, single submitter. Criteria: Invitae Variant Classification Sherloc (09022015). Collection method: clinical testing. Allele origin: germline.
Comment: This sequence change creates a premature translational stop signal (p.Gly270Hisfs*9) in the PRF1 gene. While this is not anticipated to result in nonsense mediated decay, it is expected to disrupt the last 286 amino acid(s) of the PRF1 protein. This variant is not present in population databases (gnomAD no frequency). This premature translational stop signal has been observed in individual(s) with suspected mitochondrial disorder (PMID: 27290639). ClinVar contains an entry for this variant (Variation ID: 1457555). This variant disrupts a region of the PRF1 protein in which other variant(s) (p.Arg390*) have been determined to be pathogenic (PMID: 17601962, 21152410, 29357941; internal data). This suggests that this is a clinically significant region of the protein, and that variants that disrupt it are likely to be disease-causing. For these reasons, this variant has been classified as Pathogenic.

Literature cited by the submitters: PubMed 27290639; PubMed 17601962; PubMed 21152410; PubMed 29357941.

NM_001083116.3(PRF1):c.808_812del (p.Gly270fs)

Gene: PRF1 (perforin 1; minus strand). Cytogenetic location: 10q22.1.
Variant type: Deletion.
Coding change: c.808_812del on transcript NM_001083116.3 (MANE Select); coding-DNA positions 808 to 812, 5 bases deleted (GGCAG; older notation c.808_812delGGCAG).
Protein change: p.Gly270fs; shifts the reading frame from glycine 270.
Molecular consequence: frameshift variant.
Genome position (GRCh38, 1-based): chr10:70,598,909-70,598,913, CTGCC deleted on the plus strand (GGCAG on the coding strand, the reverse complement: PRF1 is on the minus strand). VCF-style (leftmost placement, unchanged base first): chr10-70598908-GCTGCC-G. GRCh37 (hg19) VCF-style: chr10-72358664-GCTGCC-G.
Other names: c.808_812del, p.Gly270fs (NM_005041.6); short protein forms G270fs.
Identifiers: ClinVar variation 1457555 (VCV001457555.6), dbSNP rs2132476381, ClinGen allele CA16622052.